The following is an entry in ClinVar:

ClinVar aggregate classification (germline): Pathogenic. Review status: reviewed by expert panel (3 of 4 stars). 6 submissions from 6 submitters: Pathogenic (1). 5 of the submissions do not count toward it. Last evaluated 2020-06-16.

Conditions:
Glycogen storage disease, type II (IOPD). Also called: POMPE DISEASE, INFANTILE-ONSET; Glucosidase acid-1,4-alpha deficiency; GLYCOGEN STORAGE DISEASE II, INFANTILE-ONSET; ACID ALPHA-GLUCOSIDASE DEFICIENCY, INFANTILE-ONSET; CARDIOMEGALIA GLYCOGENICA DIFFUSA; GLYCOGENOSIS, GENERALIZED, CARDIAC FORM. Identifiers: Orphanet 365, MedGen C0017921, MONDO:0009290, OMIM 232300.

Submissions (6):

ClinGen Lysosomal Storage Disorder Variant Curation Expert Panel
Classification: Pathogenic for Glycogen storage disease, type II. Last evaluated: 2020-06-16. Review status: reviewed by expert panel. Criteria: ClinGen LSD ACMG Specifications v1. Collection method: curation. Allele origin: germline. Inheritance: Autosomal recessive inheritance.
Comment: This variant, c.1356del (p.Ser454AlafsTer23), is a frameshift variant that is predicted to result in a premature termination codon, nonsense mediated decay and lack of gene product, meeting PVS1. This variant is absent in gnomAD v2.1.1, meeting PM2. One patient has been reported who is compound heterozygous for the variant and c.2238G>C (p.Trp746Cys) (PMID 25526786). Note that in other studies, c.2238G>C (p.Trp746Cys) has been found in cis with the pseudodeficiency variants p.Gly576Ser or p.Glu689Lys. However, no details on the presence of pseudodeficiency variants was provided for this case, and PP4 is met based on the specifications of the ClinGen LSD VCEP. The in trans data from this patient has been used in the assessment of p.Trp746Cys and was not included here in order to avoid a circular argument. At least one other patient, with infantile onset Pompe disease, has been reported but either the GAA activity was not provided, or the second variant is not known, and therefore this data was not included (PMID 22252923, 24269976). There is no entry for this variant in ClinVar. In summary, this variant is pathogenic for Pompe disease based on the specifications of the ClinGen LSD VCEP. ACMG/AMP criteria met: PVS1, PM2, PP4.

Genomenon, Inc
Classification: Pathogenic for Glycogen storage disease, type II. Last evaluated: 2026-07-01. Review status: criteria provided, single submitter. Criteria: Genomenon Sequence Variant Interpretation Standards - Updated. Collection method: curation. Allele origin: germline. Affected: yes. Not counted in ClinVar's aggregate classification.
Comment: GAA p.Ser454AlafsTer23 (c.1356del) is a frameshift variant that is predicted to introduce a premature termination codon and result in a truncated or absent protein product. This variant has been observed in at least one proband with a GAA-related disorder (PMID:24269976;25526786). It is absent or not present at a significant frequency in gnomAD. In conclusion, we classify GAA p.Ser454AlafsTer23 (c.1356del) as a pathogenic variant.

Myriad Genetics, Inc.
Classification: Pathogenic for Glycogen storage disease, type II. Last evaluated: 2023-12-26. Review status: criteria provided, single submitter. Criteria: Myriad Autosomal Dominant, Autosomal Recessive and X-Linked Classification Criteria (2023). Collection method: clinical testing. Allele origin: unknown. Not counted in ClinVar's aggregate classification.
Comment: NM_000152.3(GAA):c.1356delC(S454Afs*23) is expected to be pathogenic in the context of Pompe disease. This variant is predicted to lead to an abnormal or absent protein product due to the creation of a premature termination codon in GAA, a gene where loss-of-function variants are known to be pathogenic. Please note: this variant was assessed in the context of healthy population screening.

Labcorp Genetics (formerly Invitae), Labcorp
Classification: Pathogenic for Glycogen storage disease, type II. Last evaluated: 2023-09-21. Review status: criteria provided, single submitter. Criteria: Invitae Variant Classification Sherloc (09022015). Collection method: clinical testing. Allele origin: germline. Not counted in ClinVar's aggregate classification.
Comment: This premature translational stop signal has been observed in individual(s) with Pompe disease (PMID: 22252923). ClinVar contains an entry for this variant (Variation ID: 984799). This sequence change creates a premature translational stop signal (p.Ser454Alafs*23) in the GAA gene. It is expected to result in an absent or disrupted protein product. Loss-of-function variants in GAA are known to be pathogenic (PMID: 18425781, 22252923). This variant is not present in population databases (gnomAD no frequency). For these reasons, this variant has been classified as Pathogenic.

GeneDx
Classification: Pathogenic. Last evaluated: 2023-08-01. Review status: criteria provided, single submitter. Criteria: GeneDx Variant Classification Process June 2021. Collection method: clinical testing. Allele origin: germline. Affected: yes. Not counted in ClinVar's aggregate classification.
Comment: Frameshift variant predicted to result in protein truncation or nonsense mediated decay in a gene for which loss of function is a known mechanism of disease; Not observed at significant frequency in large population cohorts (gnomAD); This variant is associated with the following publications: (PMID: 22252923, 31254424, 24269976)

Juno Genomics, Hangzhou Juno Genomics, Inc
Classification: Pathogenic for Glycogen storage disease, type II. Review status: criteria provided, single submitter. Criteria: ACMG Guidelines, 2015. Collection method: clinical testing. Allele origin: germline. Not counted in ClinVar's aggregate classification.
Comment: Null variant in a gene where loss of function (LOF) is a known mechanism of disease.;Absent from controls (or at extremely low frequency if recessive) in Genome Aggregation Database.;For recessive disorders, detected in trans with a pathogenic variant.;Patient's phenotype or family history is highly specific for a disease with a single genetic etiology.

Literature cited by the submitters: PubMed 22252923 (cited by ClinGen Lysosomal Storage Disorder Variant Curation Expert Panel and Labcorp Genetics (formerly Invitae), Labcorp); PubMed 24269976 (cited by Genomenon, Inc); PubMed 25526786 (cited by Genomenon, Inc); PubMed 18425781 (cited by Labcorp Genetics (formerly Invitae), Labcorp).

NM_000152.5(GAA):c.1356del (p.Ser454fs)

Gene: GAA (alpha glucosidase; plus strand). Cytogenetic location: 17q25.3.
Variant type: Deletion.
Coding change: c.1356del on transcript NM_000152.5 (MANE Select); coding-DNA position 1356, one base deleted (C; older notation c.1356delC).
Protein change: p.Ser454fs; shifts the reading frame from serine 454.
Molecular consequence: frameshift variant.
Genome position (GRCh38, 1-based): chr17:80,109,974, C deleted; the last of 2 consecutive C bases (chr17:80,109,973-80,109,974); deleting either gives the same sequence. VCF-style (leftmost placement, unchanged base first): chr17-80109972-GC-G. GRCh37 (hg19) VCF-style: chr17-78083771-GC-G.
Other names: c.1356del (NM_000152.3); c.1356del, p.Ser454fs (NM_001079803.3, NM_001079804.3); short protein forms S454fs.
Identifiers: ClinVar variation 984799 (VCV000984799.17), dbSNP rs2039191420, ClinGen allele CA658795253.
Genomic context (GRCh38, chr17:80,109,972, plus strand): 5'-CACCCTCACCTTGACAGGTTTCCCTCTTCCCAGGATCCTGCCATCAGCAGCTCGGGCCCT[GC>G]CGGGAGCTACAGGCCCTACGACGAGGGTCTGCGGAGGGGGGTTTTCATCACCAACGAGAC-3'